The following is an entry in ClinVar:

NM_003151.4(STAT4):c.173A>G (p.Gln58Arg)

Gene: STAT4 (signal transducer and activator of transcription 4; minus strand). Cytogenetic location: 2q32.3.
Variant type: single nucleotide variant.
Coding change: c.173A>G on transcript NM_003151.4 (MANE Select); coding-DNA position 173, A replaced by G.
Protein change: p.Gln58Arg; replaces glutamine 58 with arginine.
Molecular consequence: missense variant.
Genome position (GRCh38, 1-based): chr2:191,146,713, T>C on the plus strand (A>G on the coding strand, the complement: STAT4 is on the minus strand). VCF-style: chr2-191146713-T-C. GRCh37 (hg19) VCF-style: chr2-192011439-T-C.
Other names: c.173A>G, p.Gln58Arg (NM_001243835.2); short protein forms Q58R.
Identifiers: ClinVar variation 1489785 (VCV001489785.6), dbSNP rs990725052, ClinGen allele CA62986760.
Genomic context (GRCh38, chr2:191,146,713, plus strand): 5'-AGTAGGTTTTTCTCTTTGGAAACACGACCTAACTGTTCATCCAGTTGTATTAACAAGTTT[T>C]GAAGAAGAATCGTTGCCATGGTTTCATTGTTAGAAGCTGCCTCCCTAAAAAAAAAAAGGA-3'
Protein context (NP_003142.1, residues 48-68): NNETMATILL[Gln58Arg]NLLIQLDEQL

ClinVar aggregate classification (germline): Uncertain significance (1 of 4 stars; one submission).

Allele frequency attached by ClinVar (database versions not stated): gnomAD exomes below 0.00001; TOPMed 0.00002; gnomAD 0.00001.
gnomAD v4.1: 3 of 1,587,442 alleles (0.00019%); highest among the groups gnomAD compares: Non-Finnish European, 0.00026%; no homozygotes.

Submission:

Labcorp Genetics (formerly Invitae), Labcorp
Classification: Uncertain significance. Last evaluated: 2025-10-24. Review status: criteria provided, single submitter. Criteria: Invitae Variant Classification Sherloc (09022015). Collection method: clinical testing. Allele origin: germline.
Comment: This sequence change replaces glutamine, which is neutral and polar, with arginine, which is basic and polar, at codon 58 of the STAT4 protein (p.Gln58Arg). This variant is not present in population databases (gnomAD no frequency). This variant has not been reported in the literature in individuals affected with STAT4-related conditions. ClinVar contains an entry for this variant (Variation ID: 1489785). Invitae Evidence Modeling of protein sequence and biophysical properties (such as structural, functional, and spatial information, amino acid conservation, physicochemical variation, residue mobility, and thermodynamic stability) indicates that this missense variant is not expected to disrupt STAT4 protein function with a negative predictive value of 80%. In summary, the available evidence is currently insufficient to determine the role of this variant in disease. Therefore, it has been classified as a Variant of Uncertain Significance.